The following is an entry in ClinVar:

NM_153033.5(KCTD7):c.113C>T (p.Ala38Val)

Genes: KCTD7 (potassium channel tetramerization domain containing 7; plus strand), LOC129998533 (ATAC-STARR-seq lymphoblastoid silent region 18210; plus strand). Cytogenetic location: 7q11.21.
Variant type: single nucleotide variant.
Coding change: c.113C>T on transcript NM_153033.5 (MANE Select); coding-DNA position 113, C replaced by T.
Protein change: p.Ala38Val; replaces alanine 38 with valine.
Molecular consequence: missense variant.
Genome position (GRCh38, 1-based): chr7:66,629,177, C>T. VCF-style: chr7-66629177-C-T. GRCh37 (hg19) VCF-style: chr7-66094164-C-T.
Other names: c.113C>T, p.Ala38Val (NM_001167961.2); c.113C>T (NM_153033.4); short protein forms A38V.
Identifiers: ClinVar variation 1412672 (VCV001412672.5), dbSNP rs373655601, ClinGen allele CA160219204.

ClinVar aggregate classification (germline): Uncertain significance. Review status: criteria provided, multiple submitters, no conflicts (2 of 4 stars). 2 submissions from 2 submitters: Uncertain significance (2). Last evaluated 2025-07-18.

Conditions:
Progressive myoclonic epilepsy type 3. Also called: EPILEPSY, PROGRESSIVE MYOCLONIC, 3, WITHOUT INTRACELLULAR INCLUSIONS; EPILEPSY, PROGRESSIVE MYOCLONIC, 3, WITH OR WITHOUT INTRACELLULAR INCLUSIONS; CEROID LIPOFUSCINOSIS, NEURONAL, 14; KCTD7-Related Progressive Myoclonic Epilepsy. Identifiers: Orphanet 263516, MedGen C2673257, MONDO:0012721, OMIM 611726.

Allele frequency attached by ClinVar (database versions not stated): TOPMed 0.00002; ESP Exome Variant Server 0.00008.

Submissions (2):

GeneDx
Classification: Uncertain significance. Last evaluated: 2025-07-18. Review status: criteria provided, single submitter. Criteria: GeneDx Variant Classification Process June 2021. Collection method: clinical testing. Allele origin: germline. Affected: yes.
Comment: In silico analysis supports that this missense variant has a deleterious effect on protein structure/function; In silico analysis supports a deleterious effect on splicing; Has not been previously published as pathogenic or benign to our knowledge

Labcorp Genetics (formerly Invitae), Labcorp
Classification: Uncertain significance for Progressive myoclonic epilepsy type 3. Last evaluated: 2023-11-04. Review status: criteria provided, single submitter. Criteria: Invitae Variant Classification Sherloc (09022015). Collection method: clinical testing. Allele origin: germline.
Comment: This sequence change replaces alanine, which is neutral and non-polar, with valine, which is neutral and non-polar, at codon 38 of the KCTD7 protein (p.Ala38Val). The frequency data for this variant in the population databases is considered unreliable, as metrics indicate poor data quality at this position in the gnomAD database. This variant has not been reported in the literature in individuals affected with KCTD7-related conditions. ClinVar contains an entry for this variant (Variation ID: 1412672). An algorithm developed to predict the effect of missense changes on protein structure and function (PolyPhen-2) suggests that this variant¬†is likely to be tolerated. Algorithms developed to predict the effect of sequence changes on RNA splicing suggest that this variant may disrupt the consensus splice site. In summary, the available evidence is currently insufficient to determine the role of this variant in disease. Therefore, it has been classified as a Variant of Uncertain Significance.